The following is an entry in ClinVar:

NM_001184880.2(PCDH19):c.2252A>G (p.Lys751Arg)

Genes: PCDH19 (protocadherin 19; minus strand), LOC125467768 (CDK7 strongly-dependent group 2 enhancer GRCh37_chrX:99657381-99658580; plus strand). Cytogenetic location: Xq22.1.
Variant type: single nucleotide variant.
Coding change: c.2252A>G on transcript NM_001184880.2 (MANE Select); coding-DNA position 2252, A replaced by G.
Protein change: p.Lys751Arg; replaces lysine 751 with arginine.
Molecular consequence: missense variant. On other transcripts: intron variant (2).
Genome position (GRCh38, 1-based): chrX:100,403,560, T>C on the plus strand (A>G on the coding strand, the complement: PCDH19 is on the minus strand). VCF-style: chrX-100403560-T-C. GRCh37 (hg19) VCF-style: chrX-99658558-T-C.
Other names: c.2148-709A>G (NM_020766.3, NM_001105243.2); short protein forms K751R.
Identifiers: ClinVar variation 1019431 (VCV001019431.22), dbSNP rs1159118052, ClinGen allele CA414006805.
Genomic context (GRCh38, chrX:100,403,560, plus strand): 5'-AAATGAGGGGAAATGCCTTTTTACCTCTTTCCCCTTAGGCTCACTTTCTCCTCTGTCTTT[T>C]TGTCTTGCTCCTCGCTAATGGGAGAAACCGAGATGCAATGCAGACACTTGCTGTTTTGTC-3'
Protein context (NP_001171809.1, residues 741-761): SVSPISEEQD[Lys751Arg]KTEEKVSLRG

ClinVar aggregate classification (germline): Uncertain significance. Review status: criteria provided, multiple submitters, no conflicts (2 of 4 stars). 2 submissions from 2 submitters: Uncertain significance (2). Last evaluated 2025-02-01.

Conditions:
Developmental and epileptic encephalopathy, 9 (DEE9). Also called: Early infantile epileptic encephalopathy 9; EPILEPSY, FEMALE-RESTRICTED, WITH MENTAL RETARDATION; JUBERG-HELLMAN SYNDROME; PCDH19-Related X-Linked Female-Limited Epilepsy with Mental Retardation. Identifiers: Orphanet 101039, Orphanet 2076, MedGen C1848137, MONDO:0010246, OMIM 300088. Disease mechanism: loss of function.

Allele frequency attached by ClinVar (database versions not stated): TOPMed below 0.00001; gnomAD 0.00001; gnomAD exomes 0.00001.
gnomAD v4.1: 1 of 1,208,959 alleles (0.000083%); highest among the groups gnomAD compares: Non-Finnish European, 0.00011%; no homozygotes.

Submissions (2):

CeGaT Center for Human Genetics Tuebingen
Classification: Uncertain significance. Last evaluated: 2025-02-01. Review status: criteria provided, single submitter. Criteria: CeGaT Center For Human Genetics Tuebingen Variant Classification Criteria Version 2. Collection method: clinical testing. Allele origin: germline. Affected: yes. Observed: 1 variant allele.
Comment: PCDH19: PM2, BP4

Labcorp Genetics (formerly Invitae), Labcorp
Classification: Uncertain significance for Developmental and epileptic encephalopathy, 9. Last evaluated: 2024-11-18. Review status: criteria provided, single submitter. Criteria: Invitae Variant Classification Sherloc (09022015). Collection method: clinical testing. Allele origin: germline.
Comment: This sequence change replaces lysine, which is basic and polar, with arginine, which is basic and polar, at codon 751 of the PCDH19 protein (p.Lys751Arg). This variant is present in population databases (no rsID available, gnomAD 0.001%). This variant has not been reported in the literature in individuals affected with PCDH19-related conditions. ClinVar contains an entry for this variant (Variation ID: 1019431). Invitae Evidence Modeling of protein sequence and biophysical properties (such as structural, functional, and spatial information, amino acid conservation, physicochemical variation, residue mobility, and thermodynamic stability) indicates that this missense variant is not expected to disrupt PCDH19 protein function with a negative predictive value of 95%. In summary, the available evidence is currently insufficient to determine the role of this variant in disease. Therefore, it has been classified as a Variant of Uncertain Significance.